The following is an entry in ClinVar:

NM_015443.4(KANSL1):c.1533+82G>A

Gene: KANSL1 (KAT8 regulatory NSL complex subunit 1). Cytogenetic location: 17q21.31.
Variant type: single nucleotide variant.
Coding change: c.1533+82G>A on transcript NM_015443.4 (MANE Select); 82 bases into the intron after coding-DNA position 1533, G replaced by A.
Molecular consequence: intron variant.
Genome position (GRCh38, 1-based): chr17:46,082,359, C>T on the plus strand (G>A on the coding strand, the complement: KANSL1 is on the minus strand). VCF-style: chr17-46082359-C-T. GRCh37 (hg19) VCF-style: chr17-44159725-C-T.
Other names: c.1533+82G>A (NM_001193465.2, NM_001379198.1, NM_001193466.2).
Identifiers: ClinVar variation 670658 (VCV000670658.2), dbSNP rs17659953, ClinGen allele CA14404297.

ClinVar aggregate classification (germline): Benign. Review status: criteria provided, multiple submitters, no conflicts (2 of 4 stars). 2 submissions from 2 submitters: Benign (2). Last evaluated 2018-06-14.

Allele frequency attached by ClinVar (database versions not stated): 1000 Genomes Project 30x 0.08542; 1000 Genomes Project 0.08626; gnomAD 0.14182 and 0.14468; TOPMed 0.14812; gnomAD exomes 0.15498.
gnomAD v4.1: 123,756 of 809,530 alleles (15%); highest among the groups gnomAD compares: Middle Eastern, 20%; 11,751 homozygotes.

Submissions (2):

GeneDx
Classification: Benign. Last evaluated: 2018-06-14. Review status: criteria provided, single submitter. Criteria: GeneDx Variant Classification (06012015). Collection method: clinical testing. Allele origin: germline. Affected: yes.
Comment: This variant is considered likely benign or benign based on one or more of the following criteria: it is a conservative change, it occurs at a poorly conserved position in the protein, it is predicted to be benign by multiple in silico algorithms, and/or has population frequency not consistent with disease.

Breakthrough Genomics
Classification: Benign. Review status: criteria provided, single submitter. Criteria: ACMG Guidelines, 2015. Collection method: not provided. Allele origin: germline. Inheritance: Autosomal dominant inheritance. Affected: yes.